The following is an entry in ClinVar:

NM_006648.4(WNK2):c.5462A>G (p.Gln1821Arg)

Gene: WNK2 (WNK lysine deficient protein kinase 2; plus strand). Cytogenetic location: 9q22.31.
Variant type: single nucleotide variant.
Coding change: c.5462A>G on transcript NM_006648.4 (MANE Select); coding-DNA position 5462, A replaced by G.
Protein change: p.Gln1821Arg; replaces glutamine 1821 with arginine.
Molecular consequence: missense variant.
Genome position (GRCh38, 1-based): chr9:93,292,927, A>G. VCF-style: chr9-93292927-A-G. GRCh37 (hg19) VCF-style: chr9-96055209-A-G.
Other names: NC_000009.11:g.96055209A>G; c.5573A>G, p.Gln1858Arg (NM_001282394.3); short protein forms Q1821R, Q1858R.
Identifiers: ClinVar variation 3190653 (VCV003190653.3), dbSNP rs561971555, ClinGen allele CA5130598.

ClinVar aggregate classification (germline): Uncertain significance (1 of 4 stars; one submission).

Allele frequency attached by ClinVar (database versions not stated): TOPMed 0.00013; 1000 Genomes Project 30x 0.00016; gnomAD exomes 0.00002; gnomAD 0.00006; ExAC 0.00015; 1000 Genomes Project 0.00020.
gnomAD v4.1: 32 of 1,529,218 alleles (0.0021%); highest among the groups gnomAD compares: East Asian, 0.069%; no homozygotes.

Submissions (2):

Ambry Genetics
Classification: Uncertain significance. Last evaluated: 2024-11-17. Review status: criteria provided, single submitter. Criteria: Ambry Variant Classification Scheme 2023. Collection method: clinical testing. Allele origin: germline.
Comment: The p.Q1821R variant (also known as c.5462A>G), located in coding exon 22 of the WNK2 gene, results from an A to G substitution at nucleotide position 5462. The glutamine at codon 1821 is replaced by arginine, an amino acid with highly similar properties. This amino acid position is conserved. In addition, this alteration is predicted to be tolerated by in silico analysis. Based on the available evidence, the clinical significance of this variant remains unclear.

Dr. Peter K. Rogan Lab, Western University
No classification provided (evidence only). Condition: Hepatocellular carcinoma. Review status: no classification provided. Collection method: in vitro. Allele origin: not applicable. Functional consequence: retained intron. Not counted in ClinVar's aggregate classification.